The following is an entry in ClinVar:

ClinVar aggregate classification (germline): Uncertain significance (1 of 4 stars; one submission).

Submission:

Ambry Genetics
Classification: Uncertain significance. Last evaluated: 2022-03-14. Review status: criteria provided, single submitter. Criteria: Ambry Variant Classification Scheme 2023. Collection method: clinical testing. Allele origin: germline.
Comment: The p.R2090L variant (also known as c.6269G>T), located in coding exon 47 of the PRKDC gene, results from a G to T substitution at nucleotide position 6269. The arginine at codon 2090 is replaced by leucine, an amino acid with dissimilar properties. This amino acid position is conserved. Since supporting evidence is limited at this time, the clinical significance of this alteration remains unclear.

NM_006904.7(PRKDC):c.6269G>T (p.Arg2090Leu)

Gene: PRKDC (protein kinase, DNA-activated, catalytic subunit; minus strand). Cytogenetic location: 8q11.21.
Variant type: single nucleotide variant.
Coding change: c.6269G>T on transcript NM_006904.7 (MANE Select); coding-DNA position 6269, G replaced by T.
Protein change: p.Arg2090Leu; replaces arginine 2090 with leucine.
Molecular consequence: missense variant.
Genome position (GRCh38, 1-based): chr8:47,858,925, C>A on the plus strand (G>T on the coding strand, the complement: PRKDC is on the minus strand). VCF-style: chr8-47858925-C-A. GRCh37 (hg19) VCF-style: chr8-48771486-C-A.
Other names: c.6269G>T, p.Arg2090Leu (NM_001081640.2); short protein forms R2090L.
Identifiers: ClinVar variation 1752529 (VCV001752529.2), dbSNP rs371328148, ClinGen allele CA371160972.